The following is an entry in ClinVar:

ClinVar aggregate classification (germline): Uncertain significance. Review status: criteria provided, multiple submitters, no conflicts (2 of 4 stars). 3 submissions from 3 submitters: Uncertain significance (2). 1 of the submissions does not count toward it. Last evaluated 2022-08-23.

Conditions:
Nemaline myopathy 2 (NEM2). Also called: Nemaline myopathy 2, autosomal recessive. Identifiers: MedGen C1850569, MONDO:0009725, OMIM 256030.

Allele frequency attached by ClinVar (database versions not stated): gnomAD 0.00001; gnomAD exomes 0.00001; TOPMed 0.00001.

Submissions (3):

Labcorp Genetics (formerly Invitae), Labcorp
Classification: Uncertain significance for Nemaline myopathy 2. Last evaluated: 2022-08-23. Review status: criteria provided, single submitter. Criteria: Invitae Variant Classification Sherloc (09022015). Collection method: clinical testing. Allele origin: germline.
Comment: This sequence change replaces arginine, which is basic and polar, with glycine, which is neutral and non-polar, at codon 7970 of the NEB protein (p.Arg7970Gly). This variant is not present in population databases (gnomAD no frequency). This variant has not been reported in the literature in individuals affected with NEB-related conditions. ClinVar contains an entry for this variant (Variation ID: 935852). Algorithms developed to predict the effect of missense changes on protein structure and function are either unavailable or do not agree on the potential impact of this missense change (SIFT: "Deleterious"; PolyPhen-2: "Not Available"; Align-GVGD: "Class C0"). In summary, the available evidence is currently insufficient to determine the role of this variant in disease. Therefore, it has been classified as a Variant of Uncertain Significance.

GeneDx
Classification: Uncertain significance. Last evaluated: 2019-11-04. Review status: criteria provided, single submitter. Criteria: GeneDx Variant Classification Process June 2021. Collection method: clinical testing. Allele origin: germline. Affected: yes.
Comment: Has not been previously published as pathogenic or benign to our knowledge; Not observed in large population cohorts (Lek et al., 2016); In silico analysis, which includes protein predictors and evolutionary conservation, supports a deleterious effect

Natera, Inc.
Classification: Uncertain significance for Nemaline myopathy type 2. Last evaluated: 2020-06-14. Review status: no assertion criteria provided. Collection method: clinical testing. Allele origin: germline. Not counted in ClinVar's aggregate classification.

NM_001164508.2(NEB):c.23803A>G (p.Arg7935Gly)

Genes: NEB (nebulin; minus strand), RIF1 (replication timing regulatory factor 1; plus strand). Cytogenetic location: 2q23.3.
Variant type: single nucleotide variant.
Coding change: c.23803A>G on transcript NM_001164508.2 (MANE Select); coding-DNA position 23803, A replaced by G.
Protein change: p.Arg7935Gly; replaces arginine 7935 with glycine.
Molecular consequence: missense variant.
Genome position (GRCh38, 1-based): chr2:151,503,381, T>C on the plus strand (A>G on the coding strand, the complement: NEB is on the minus strand). VCF-style: chr2-151503381-T-C. GRCh37 (hg19) VCF-style: chr2-152359895-T-C.
Other names: c.23803A>G, p.Arg7935Gly (NM_001164507.2); c.23908A>G, p.Arg7970Gly (NM_001271208.2); c.18700A>G, p.Arg6234Gly (NM_004543.5); short protein forms R6234G, R7970G, R7935G.
Identifiers: ClinVar variation 935852 (VCV000935852.9), dbSNP rs1318564274, ClinGen allele CA348782201.